The following is an entry in ClinVar:

ClinVar aggregate classification (germline): Uncertain significance (1 of 4 stars; one submission).

Submission:

Labcorp Genetics (formerly Invitae), Labcorp
Classification: Uncertain significance. Last evaluated: 2025-10-03. Review status: criteria provided, single submitter. Criteria: Invitae Variant Classification Sherloc (09022015). Collection method: clinical testing. Allele origin: germline.
Comment: This variant, c.567_568ins87, results in the insertion of 29 amino acid(s) of the RP1L1 protein (p.Asp161_Leu189dup), but otherwise preserves the integrity of the reading frame. This variant is present in population databases (no rsID available, gnomAD 0.003%). This variant has not been reported in the literature in individuals affected with RP1L1-related conditions. ClinVar contains an entry for this variant (Variation ID: 1983910). Experimental studies and prediction algorithms are not available or were not evaluated, and the functional significance of this variant is currently unknown. In summary, the available evidence is currently insufficient to determine the role of this variant in disease. Therefore, it has been classified as a Variant of Uncertain Significance.

NM_178857.6(RP1L1):c.567_568insGACCCTCGCCTCCAGCAGACGGTGGTTCTCAGTCACAGGAATACTAGGAACCTGGCCGCCTTTCTCGGCAAAGCCTCAGATCTCCTG (p.Leu189_Arg190insAspProArgLeuGlnGlnThrValValLeuSerHisArgAsnThrArgAsnLeuAlaAlaPheLeuGlyLysAlaSerAspLeuLeu)

Gene: RP1L1 (RP1 like 1). Cytogenetic location: 8p23.1.
Variant type: Insertion.
Coding change: c.567_568insGACCCTCGCCTCCAGCAGACGGTGGTTCTCAGTCACAGGAATACTAGGAACCTGGCCGCCTTTCTCGGCAAAGCCTCAGATCTCCTG on transcript NM_178857.6 (MANE Select); coding-DNA positions 567 to 568, GACCCTCGCCTCCAGCAGACGGTGGTTCTCAGTCACAGGAATACTAGGAACCTGGCCGCCTTTCTCGGCAAAGCCTCAGATCTCCTG inserted.
Protein change: p.Leu189_Arg190insAspProArgLeuGlnGlnThrValValLeuSerHisArgAsnThrArgAsnLeuAlaAlaPheLeuGlyLysAlaSerAspLeuLeu.
Molecular consequence: inframe insertion.
Genome position: GRCh38: chr8:10,622,700-10,622,701. GRCh37 (hg19): chr8:10,480,210-10,480,211.
Identifiers: ClinVar variation 1983910 (VCV001983910.4), dbSNP rs1563130725, ClinGen allele CA580030539.